The following is an entry in ClinVar:

ClinVar aggregate classification (germline): Likely benign (1 of 4 stars; one submission).

Submission:

Laboratory for Molecular Medicine, Mass General Brigham Personalized Medicine
Classification: Likely benign. Last evaluated: 2015-06-24. Review status: criteria provided, single submitter. Criteria: LMM Criteria. Collection method: clinical testing. Allele origin: germline. Observed: 1 variant allele.
Comment: p.Leu1633Leu in exon 23 of DSP: This variant is not expected to have clinical si gnificance because it does not alter an amino acid residue and is not located wi thin the splice consensus sequence.

NM_004415.4(DSP):c.4899C>G (p.Leu1633=)

Gene: DSP (desmoplakin; plus strand). Cytogenetic location: 6p24.3.
Variant type: single nucleotide variant.
Coding change: c.4899C>G on transcript NM_004415.4 (MANE Select); coding-DNA position 4899, C replaced by G.
Protein change: p.Leu1633=; no amino-acid change (leucine 1633 retained).
Molecular consequence: synonymous variant. On other transcripts: intron variant (2).
Genome position (GRCh38, 1-based): chr6:7,581,089, C>G. VCF-style: chr6-7581089-C-G. GRCh37 (hg19) VCF-style: chr6-7581322-C-G.
Other names: c.4050+849C>G (NM_001319034.2); c.3582+1317C>G (NM_001008844.3).
Identifiers: ClinVar variation 227343 (VCV000227343.4), dbSNP rs876657459, ClinGen allele CA10576700.